The following is an entry in ClinVar:

ClinVar aggregate classification (germline): Uncertain significance. Review status: criteria provided, multiple submitters, no conflicts (2 of 4 stars). 2 submissions from 2 submitters: Uncertain significance (2). Last evaluated 2025-11-26.

Conditions:
Inborn genetic diseases. Identifiers: MedGen C0950123, MeSH D030342.
Perlman syndrome (PRLMNS). Identifiers: Orphanet 2849, MedGen C0796113, MONDO:0009965, OMIM 267000.

Allele frequency attached by ClinVar (database versions not stated): gnomAD 0.00001; gnomAD exomes 0.00001.
gnomAD v4.1: 12 of 1,613,834 alleles (0.00074%); highest among the groups gnomAD compares: Non-Finnish European, 0.001%; no homozygotes.

Submissions (2):

Ambry Genetics
Classification: Uncertain significance for Inborn genetic diseases. Last evaluated: 2025-11-26. Review status: criteria provided, single submitter. Criteria: Ambry Variant Classification Scheme 2023. Collection method: clinical testing. Allele origin: germline.

Labcorp Genetics (formerly Invitae), Labcorp
Classification: Uncertain significance for Perlman syndrome. Last evaluated: 2024-11-26. Review status: criteria provided, single submitter. Criteria: Invitae Variant Classification Sherloc (09022015). Collection method: clinical testing. Allele origin: germline.
Comment: This sequence change replaces glutamine, which is neutral and polar, with lysine, which is basic and polar, at codon 325 of the DIS3L2 protein (p.Gln325Lys). This variant is present in population databases (no rsID available, gnomAD 0.007%). This variant has not been reported in the literature in individuals affected with DIS3L2-related conditions. ClinVar contains an entry for this variant (Variation ID: 665185). Invitae Evidence Modeling of protein sequence and biophysical properties (such as structural, functional, and spatial information, amino acid conservation, physicochemical variation, residue mobility, and thermodynamic stability) indicates that this missense variant is not expected to disrupt DIS3L2 protein function with a negative predictive value of 80%. In summary, the available evidence is currently insufficient to determine the role of this variant in disease. Therefore, it has been classified as a Variant of Uncertain Significance.

NM_152383.5(DIS3L2):c.973C>A (p.Gln325Lys)

Gene: DIS3L2 (DIS3 like 3'-5' exoribonuclease 2; plus strand). Cytogenetic location: 2q37.1.
Variant type: single nucleotide variant.
Coding change: c.973C>A on transcript NM_152383.5 (MANE Select); coding-DNA position 973, C replaced by A.
Protein change: p.Gln325Lys; replaces glutamine 325 with lysine.
Molecular consequence: missense variant. On other transcripts: non-coding transcript variant (2).
Genome position (GRCh38, 1-based): chr2:232,163,481, C>A. VCF-style: chr2-232163481-C-A. GRCh37 (hg19) VCF-style: chr2-233028191-C-A.
Other names: c.973C>A, p.Gln325Lys (NM_001257281.2); short protein forms Q325K.
Identifiers: ClinVar variation 665185 (VCV000665185.11), dbSNP rs1209057640, ClinGen allele CA351154199.